The following is an entry in ClinVar:

ClinVar aggregate classification (germline): Uncertain significance (1 of 4 stars; one submission).

Submission:

Labcorp Genetics (formerly Invitae), Labcorp
Classification: Uncertain significance. Last evaluated: 2021-04-14. Review status: criteria provided, single submitter. Criteria: Invitae Variant Classification Sherloc (09022015). Collection method: clinical testing. Allele origin: germline.
Comment: This sequence change replaces cysteine with arginine at codon 443 of the MCM5 protein (p.Cys443Arg). The cysteine residue is highly conserved and there is a large physicochemical difference between cysteine and arginine. Algorithms developed to predict the effect of missense changes on protein structure and function (SIFT, PolyPhen-2, Align-GVGD) all suggest that this variant is likely to be disruptive, but these predictions have not been confirmed by published functional studies and their clinical significance is uncertain. This variant has not been reported in the literature in individuals with MCM5-related conditions. This variant is not present in population databases (ExAC no frequency). In summary, the available evidence is currently insufficient to determine the role of this variant in disease. Therefore, it has been classified as a Variant of Uncertain Significance.

NM_006739.4(MCM5):c.1327T>C (p.Cys443Arg)

Gene: MCM5 (minichromosome maintenance complex component 5; plus strand). Cytogenetic location: 22q12.3.
Variant type: single nucleotide variant.
Coding change: c.1327T>C on transcript NM_006739.4 (MANE Select); coding-DNA position 1327, T replaced by C.
Protein change: p.Cys443Arg; replaces cysteine 443 with arginine.
Molecular consequence: missense variant.
Genome position (GRCh38, 1-based): chr22:35,415,952, T>C. VCF-style: chr22-35415952-T-C. GRCh37 (hg19) VCF-style: chr22-35811945-T-C.
Other names: short protein forms C443R.
Identifiers: ClinVar variation 1429894 (VCV001429894.8), dbSNP rs2145795618, ClinGen allele CA411346865.